The following is an entry in ClinVar:

ClinVar aggregate classification (germline): Conflicting classifications of pathogenicity. Review status: criteria provided, conflicting classifications (1 of 4 stars). 3 submissions from 3 submitters: Uncertain significance (1); Likely benign (1). 1 of the submissions does not count toward it. Last evaluated 2026-01-30.

Conditions:
FG syndrome (FGS). Identifiers: MedGen C0220769, MONDO:0002010.
MED12-Related Disorders. Also called: MED12-related condition; MED12-related disorder. Identifiers: MedGen CN381102.

Submissions (3):

Labcorp Genetics (formerly Invitae), Labcorp
Classification: Uncertain significance for FG syndrome. Last evaluated: 2026-01-30. Review status: criteria provided, single submitter. Criteria: Invitae Variant Classification Sherloc (09022015). Collection method: clinical testing. Allele origin: germline.
Comment: This variant, c.6162_6167del, results in the deletion of 2 amino acid(s) of the MED12 protein (p.Gln2075_Gln2076del), but otherwise preserves the integrity of the reading frame. The frequency data for this variant in the population databases is considered unreliable, as metrics indicate poor data quality at this position in the gnomAD database. This variant has not been reported in the literature in individuals affected with MED12-related conditions. Experimental studies and prediction algorithms are not available or were not evaluated, and the functional significance of this variant is currently unknown. In summary, the available evidence is currently insufficient to determine the role of this variant in disease. Therefore, it has been classified as a Variant of Uncertain Significance.

GeneDx
Classification: Likely benign. Last evaluated: 2015-03-03. Review status: criteria provided, single submitter. Criteria: GeneDx Variant Classification (06012015). Collection method: clinical testing. Allele origin: germline. Affected: yes.
Comment: This variant was found in TAADV2-1

PreventionGenetics, part of Exact Sciences
Classification: Uncertain significance for MED12-related condition. Last evaluated: 2023-11-22. Review status: no assertion criteria provided. Collection method: clinical testing. Allele origin: germline. Not counted in ClinVar's aggregate classification.
Comment: The MED12 c.6162_6167del6 variant is predicted to result in an in-frame deletion (p.Gln2075_Gln2076del). To our knowledge, this variant has not been reported in the literature. This variant is reported in 0.0063% of alleles in individuals of European (Non-Finnish) descent in gnomAD. At this time, the clinical significance of this variant is uncertain due to the absence of conclusive functional and genetic evidence.

NM_005120.3(MED12):c.6150GCA[4] (p.Gln2075_Gln2076del)

Gene: MED12 (mediator complex subunit 12; plus strand). Cytogenetic location: Xq13.1.
Variant type: Microsatellite.
Coding change: c.6150GCA[4] on transcript NM_005120.3 (MANE Select); four copies in a row of the 3-base unit GCA starting at c.6150; the reference has six copies in a row; two copies, 6 bases deleted.
Protein change: p.Gln2075_Gln2076del.
Molecular consequence: inframe deletion.
Genome position (GRCh38, 1-based): chrX:71,140,752-71,140,757, GCAGCA deleted; deleting any 6 consecutive bases within chrX:71,140,739-71,140,757 gives the same sequence; the position shown is the placement nearest the transcript's 3' end. VCF-style (leftmost placement, unchanged base first): chrX-71140738-GAGCAGC-G. GRCh37 (hg19) VCF-style: chrX-70360588-GAGCAGC-G.
Other names: c.6162_6167del6 (NM_005120.2).
Identifiers: ClinVar variation 213618 (VCV000213618.12), dbSNP rs769857818, ClinGen allele CA323109.